The following is an entry in ClinVar:

NM_002875.5(RAD51):c.634G>C (p.Val212Leu)

Gene: RAD51 (RAD51 recombinase; plus strand). Cytogenetic location: 15q15.1.
Variant type: single nucleotide variant.
Coding change: c.634G>C on transcript NM_002875.5 (MANE Select); coding-DNA position 634, G replaced by C.
Protein change: p.Val212Leu; replaces valine 212 with leucine.
Molecular consequence: missense variant.
Genome position (GRCh38, 1-based): chr15:40,728,814, G>C. VCF-style: chr15-40728814-G-C. GRCh37 (hg19) VCF-style: chr15-41021012-G-C.
Other names: c.637G>C, p.Val213Leu (NM_001164269.2, NM_133487.4); c.634G>C, p.Val212Leu (NM_001164270.2); short protein forms V212L, V213L.
Identifiers: ClinVar variation 3222863 (VCV003222863.1), dbSNP rs2504524583, ClinGen allele CA391757503.

ClinVar aggregate classification (germline): Uncertain significance (1 of 4 stars; one submission).

Conditions:
Inborn genetic diseases. Identifiers: MedGen C0950123, MeSH D030342.

Submission:

Ambry Genetics
Classification: Uncertain significance for Inborn genetic diseases. Last evaluated: 2024-01-29. Review status: criteria provided, single submitter. Criteria: Ambry Variant Classification Scheme 2023. Collection method: clinical testing. Allele origin: germline.
Comment: The p.V212L variant (also known as c.634G>C), located in coding exon 6 of the RAD51 gene, results from a G to C substitution at nucleotide position 634. The valine at codon 212 is replaced by leucine, an amino acid with highly similar properties. This amino acid position is conserved. In addition, this alteration is predicted to be tolerated by in silico analysis. Based on the available evidence, the clinical significance of this alteration remains unclear.